The following is an entry in ClinVar:

NM_000170.3(GLDC):c.409G>A (p.Gly137Ser)

Gene: GLDC (glycine decarboxylase; minus strand). Cytogenetic location: 9p24.1.
Variant type: single nucleotide variant.
Coding change: c.409G>A on transcript NM_000170.3 (MANE Select); coding-DNA position 409, G replaced by A.
Protein change: p.Gly137Ser; replaces glycine 137 with serine.
Molecular consequence: missense variant.
Genome position (GRCh38, 1-based): chr9:6,620,245, C>T on the plus strand (G>A on the coding strand, the complement: GLDC is on the minus strand). VCF-style: chr9-6620245-C-T. GRCh37 (hg19) VCF-style: chr9-6620245-C-T.
Other names: short protein forms G137S.
Identifiers: ClinVar variation 3776453 (VCV003776453.1).

ClinVar aggregate classification (germline): Uncertain significance (1 of 4 stars; one submission).

gnomAD v4.1: 18 of 1,613,146 alleles (0.0011%); highest among the groups gnomAD compares: South Asian, 0.018%; no homozygotes.

Submission:

GeneDx
Classification: Uncertain significance. Last evaluated: 2024-10-01. Review status: criteria provided, single submitter. Criteria: GeneDx Variant Classification Process June 2021. Collection method: clinical testing. Allele origin: germline. Affected: yes.
Comment: Not observed at significant frequency in large population cohorts (gnomAD); In silico analysis supports that this missense variant has a deleterious effect on protein structure/function; Has not been previously published as pathogenic or benign to our knowledge